The following is an entry in ClinVar:

NM_000256.3(MYBPC3):c.2704G>A (p.Asp902Asn)

Gene: MYBPC3 (myosin binding protein C3; minus strand). Cytogenetic location: 11p11.2.
Variant type: single nucleotide variant.
Coding change: c.2704G>A on transcript NM_000256.3 (MANE Select); coding-DNA position 2704, G replaced by A.
Protein change: p.Asp902Asn; replaces aspartic acid 902 with asparagine.
Molecular consequence: missense variant.
Genome position (GRCh38, 1-based): chr11:47,335,910, C>T on the plus strand (G>A on the coding strand, the complement: MYBPC3 is on the minus strand). VCF-style: chr11-47335910-C-T. GRCh37 (hg19) VCF-style: chr11-47357461-C-T.
Other names: short protein forms D902N.
Identifiers: ClinVar variation 3915225 (VCV003915225.2).
Genomic context (GRCh38, chr11:47,335,910, plus strand): 5'-AGGGGGGTTGGGGGCGGGGACACTCACAGCCCTCTGGGCAGTACTCCACGCTGTAGCCAT[C>T]CAGGCCTCCTGCTCCCACGCGCTCTGGGGGCCGCCACTTGAGGGAGACCGTGGTGTCAGA-3'
Protein context (NP_000247.2, residues 892-912): PPERVGAGGL[Asp902Asn]GYSVEYCPEG

ClinVar aggregate classification (germline): Uncertain significance (1 of 4 stars; one submission).

Conditions:
Cardiovascular phenotype. Identifiers: MedGen CN230736.

Submission:

Ambry Genetics
Classification: Uncertain significance for Cardiovascular phenotype. Last evaluated: 2026-09-11. Review status: criteria provided, single submitter. Criteria: Ambry Variant Classification Scheme 2023. Collection method: clinical testing. Allele origin: germline.
Comment: The p.D902N variant (also known as c.2704G>A), located in coding exon 26 of the MYBPC3 gene, results from a G to A substitution at nucleotide position 2704. The aspartic acid at codon 902 is replaced by asparagine, an amino acid with highly similar properties. This amino acid position is conserved. In addition, this alteration is predicted to be tolerated by in silico analysis. Based on the available evidence, the clinical significance of this variant remains unclear.